The following is an entry in ClinVar:

ClinVar aggregate classification (germline): Uncertain significance. Review status: criteria provided, multiple submitters, no conflicts (2 of 4 stars). 2 submissions from 2 submitters: Uncertain significance (2). Last evaluated 2024-11-07.

Conditions:
RASopathy. Also called: rasopathies; Noonan spectrum disorder. Identifiers: Orphanet 536391, MedGen C5555857, MONDO:0021060.

Allele frequency attached by ClinVar (database versions not stated): gnomAD exomes below 0.00001 and 0.00001; TOPMed below 0.00001; gnomAD 0.00001; ExAC 0.00002.
gnomAD v4.1: 4 of 1,614,084 alleles (0.00025%); highest among the groups gnomAD compares: Admixed American, 0.0033%; no homozygotes.

Submissions (2):

Labcorp Genetics (formerly Invitae), Labcorp
Classification: Uncertain significance for RASopathy. Last evaluated: 2024-11-07. Review status: criteria provided, single submitter. Criteria: Invitae Variant Classification Sherloc (09022015). Collection method: clinical testing. Allele origin: germline.
Comment: This sequence change replaces serine, which is neutral and polar, with threonine, which is neutral and polar, at codon 797 of the CBL protein (p.Ser797Thr). This variant is present in population databases (rs747073805, gnomAD 0.004%). This variant has not been reported in the literature in individuals affected with CBL-related conditions. ClinVar contains an entry for this variant (Variation ID: 543998). Invitae Evidence Modeling of protein sequence and biophysical properties (such as structural, functional, and spatial information, amino acid conservation, physicochemical variation, residue mobility, and thermodynamic stability) indicates that this missense variant is not expected to disrupt CBL protein function with a negative predictive value of 95%. In summary, the available evidence is currently insufficient to determine the role of this variant in disease. Therefore, it has been classified as a Variant of Uncertain Significance.

CeGaT Center for Human Genetics Tuebingen
Classification: Uncertain significance. Last evaluated: 2024-06-01. Review status: criteria provided, single submitter. Criteria: CeGaT Center For Human Genetics Tuebingen Variant Classification Criteria Version 2. Collection method: clinical testing. Allele origin: germline. Affected: yes. Observed: 1 variant allele.
Comment: CBL: PM2, BP4

NM_005188.4(CBL):c.2390G>C (p.Ser797Thr)

Gene: CBL (Cbl proto-oncogene; plus strand). Cytogenetic location: 11q23.3.
Variant type: single nucleotide variant.
Coding change: c.2390G>C on transcript NM_005188.4 (MANE Select); coding-DNA position 2390, G replaced by C.
Protein change: p.Ser797Thr; replaces serine 797 with threonine.
Molecular consequence: missense variant.
Genome position (GRCh38, 1-based): chr11:119,298,496, G>C. VCF-style: chr11-119298496-G-C. GRCh37 (hg19) VCF-style: chr11-119169206-G-C.
Other names: short protein forms S797T.
Identifiers: ClinVar variation 543998 (VCV000543998.24), dbSNP rs747073805, ClinGen allele CA6318768.